The following is an entry in ClinVar:

NM_182961.4(SYNE1):c.23248C>T (p.Leu7750Phe)

Gene: SYNE1 (spectrin repeat containing nuclear envelope protein 1; minus strand). Cytogenetic location: 6q25.2.
Variant type: single nucleotide variant.
Coding change: c.23248C>T on transcript NM_182961.4 (MANE Select); coding-DNA position 23248, C replaced by T.
Protein change: p.Leu7750Phe; replaces leucine 7750 with phenylalanine.
Molecular consequence: missense variant.
Genome position (GRCh38, 1-based): chr6:152,189,305, G>A on the plus strand (C>T on the coding strand, the complement: SYNE1 is on the minus strand). VCF-style: chr6-152189305-G-A. GRCh37 (hg19) VCF-style: chr6-152510440-G-A.
Other names: c.23035C>T, p.Leu7679Phe (NM_033071.5); c.23248C>T (NM_182961.2); short protein forms L7679F, L7750F.
Identifiers: ClinVar variation 646074 (VCV000646074.11), dbSNP rs778500015, ClinGen allele CA4053656.

ClinVar aggregate classification (germline): Uncertain significance. Review status: criteria provided, multiple submitters, no conflicts (2 of 4 stars). 4 submissions from 4 submitters: Uncertain significance (4). Last evaluated 2024-07-29.

Conditions:
Autosomal recessive ataxia, Beauce type. Also called: Spinocerebellar ataxia, autosomal recessive 8; ATAXIA, RECESSIVE, OF BEAUCE; SYNE1 Deficiency; SYNE1-Related Autosomal Recessive Cerebellar Ataxia. Identifiers: Orphanet 88644, MedGen C1853116, MONDO:0012549, OMIM 610743.
Emery-Dreifuss muscular dystrophy 4, autosomal dominant (EDMD4). Also called: EMERY-DREIFUSS MUSCULAR DYSTROPHY 4 WITH VARIABLE FEATURES. Identifiers: Orphanet 261, MedGen C2751807, MONDO:0013071, OMIM 612998.

Allele frequency attached by ClinVar (database versions not stated): TOPMed below 0.00001; ExAC 0.00001; gnomAD 0.00001; gnomAD exomes 0.00002.
gnomAD v4.1: 29 of 1,613,928 alleles (0.0018%); highest among the groups gnomAD compares: Non-Finnish European, 0.0023%; no homozygotes.

Submissions (4):

Athena Diagnostics
Classification: Uncertain significance. Last evaluated: 2024-07-29. Review status: criteria provided, single submitter. Criteria: Athena Diagnostics Criteria. Collection method: clinical testing. Allele origin: unknown.
Comment: Available data are insufficient to determine the clinical significance of the variant at this time. The frequency of this variant in the general population is uninformative in assessment of its pathogenicity. Polyphen and MutationTaster yielded discordant predictions regarding whether this amino acid change is damaging to the protein.

Revvity Omics, Revvity
Classification: Uncertain significance. Last evaluated: 2024-07-02. Review status: criteria provided, single submitter. Criteria: ACMG Guidelines, 2015. Collection method: clinical testing. Allele origin: germline.

Labcorp Genetics (formerly Invitae), Labcorp
Classification: Uncertain significance for Emery-Dreifuss muscular dystrophy 4, autosomal dominant; Autosomal recessive ataxia, Beauce type. Last evaluated: 2021-09-01. Review status: criteria provided, single submitter. Criteria: Invitae Variant Classification Sherloc (09022015). Collection method: clinical testing. Allele origin: germline.
Comment: This sequence change replaces leucine with phenylalanine at codon 7679 of the SYNE1 protein (p.Leu7679Phe). The leucine residue is highly conserved and there is a small physicochemical difference between leucine and phenylalanine. This variant is present in population databases (rs778500015, ExAC 0.001%). This variant has not been reported in the literature in individuals affected with SYNE1-related conditions. Algorithms developed to predict the effect of missense changes on protein structure and function are either unavailable or do not agree on the potential impact of this missense change (SIFT: "Deleterious"; PolyPhen-2: "Probably Damaging"; Align-GVGD: "Class C15"). In summary, the available evidence is currently insufficient to determine the role of this variant in disease. Therefore, it has been classified as a Variant of Uncertain Significance.

GeneDx
Classification: Uncertain significance. Last evaluated: 2020-01-14. Review status: criteria provided, single submitter. Criteria: GeneDx Variant Classification Process June 2021. Collection method: clinical testing. Allele origin: germline. Affected: yes.
Comment: Has not been previously published as pathogenic or benign to our knowledge; Not observed at a significant frequency in large population cohorts (Lek et al., 2016); In silico analysis, which includes protein predictors and evolutionary conservation, supports a deleterious effect